The following is an entry in ClinVar:

ClinVar aggregate classification (germline): Benign/Likely benign. Review status: criteria provided, multiple submitters, no conflicts (2 of 4 stars). 4 submissions from 4 submitters: Benign (2); Likely benign (1). 1 of the submissions does not count toward it. Last evaluated 2026-07-02.

Conditions:
RNF43-related disorder. Also called: RNF43-related condition.
Sessile serrated polyposis cancer syndrome (SSPCS). Identifiers: Orphanet 157798, MedGen C4310714, MONDO:0014919, OMIM 617108.

Allele frequency attached by ClinVar (database versions not stated): gnomAD exomes 0.00007; ExAC 0.00008; gnomAD 0.00001.
gnomAD v4.1: 34 of 1,614,122 alleles (0.0021%); highest among the groups gnomAD compares: East Asian, 0.069%; no homozygotes.

Submissions (4):

Myriad Genetics, Inc.
Classification: Benign for Sessile serrated polyposis cancer syndrome. Last evaluated: 2026-07-02. Review status: criteria provided, single submitter. Criteria: Myriad Autosomal Dominant, Autosomal Recessive and X-Linked Classification Criteria (2023). Collection method: clinical testing. Allele origin: unknown.
Comment: This variant is considered benign. This variant is a silent/synonymous amino acid change and it is not expected to impact splicing.

Labcorp Genetics (formerly Invitae), Labcorp
Classification: Benign. Last evaluated: 2025-08-21. Review status: criteria provided, single submitter. Criteria: Invitae Variant Classification Sherloc (09022015). Collection method: clinical testing. Allele origin: germline.

Ambry Genetics
Classification: Likely benign. Last evaluated: 2024-10-05. Review status: criteria provided, single submitter. Criteria: Ambry Variant Classification Scheme 2023. Collection method: clinical testing. Allele origin: germline.

PreventionGenetics, part of Exact Sciences
Classification: Likely benign for RNF43-related condition. Last evaluated: 2019-12-16. Review status: no assertion criteria provided. Collection method: clinical testing. Allele origin: germline. Not counted in ClinVar's aggregate classification.
Comment: This variant is classified as likely benign based on ACMG/AMP sequence variant interpretation guidelines (Richards et al. 2015 PMID: 25741868, with internal and published modifications).

NM_017763.6(RNF43):c.2268A>G (p.Pro756=)

Gene: RNF43 (ring finger protein 43; minus strand). Cytogenetic location: 17q22.
Variant type: single nucleotide variant.
Coding change: c.2268A>G on transcript NM_017763.6 (MANE Select); coding-DNA position 2268, A replaced by G.
Protein change: p.Pro756=; no amino-acid change (proline 756 retained).
Molecular consequence: synonymous variant.
Genome position (GRCh38, 1-based): chr17:58,357,508, T>C on the plus strand (A>G on the coding strand, the complement: RNF43 is on the minus strand). VCF-style: chr17-58357508-T-C. GRCh37 (hg19) VCF-style: chr17-56434869-T-C.
Other names: c.2268A>G, p.Pro756= (NM_001305544.3); c.1887A>G, p.Pro629= (NM_001305545.2); c.2268A>G (NM_017763.4).
Identifiers: ClinVar variation 1166638 (VCV001166638.13), dbSNP rs754064531, ClinGen allele CA8673043.
Genomic context (GRCh38, chr17:58,357,508, plus strand): 5'-ACTTCCCTCTGAAAACTCACCAGGCTGGGCCGACAGCACCTGGCAGTGCGGATAAGGGCA[T>C]GGCCTGCCCTCTGCGGTGTCAGAACTCCATTCAGAAGGCCCCTCCCCAGGTGGATGTGGT-3'
Protein context (NP_060233.3, residues 746-766): EWSSDTAEGR[Pro756=]CPYPHCQVLS